The following is an entry in ClinVar:

ClinVar aggregate classification (germline): Uncertain significance (1 of 4 stars; one submission).

Conditions:
Joubert syndrome. Also called: CEREBELLOPARENCHYMAL DISORDER IV; JOUBERT-BOLTSHAUSER SYNDROME; Familial aplasia of the vermis. Identifiers: Orphanet 475, MedGen C5979921, MONDO:0018772.

Allele frequency attached by ClinVar (database versions not stated): gnomAD exomes 0.00002 and 0.00001; TOPMed below 0.00001; gnomAD 0.00001; ExAC 0.00002.
gnomAD v4.1: 5 of 1,613,474 alleles (0.00031%); highest among the groups gnomAD compares: Admixed American, 0.0067%; no homozygotes.

Submission:

Labcorp Genetics (formerly Invitae), Labcorp
Classification: Uncertain significance for Joubert syndrome. Last evaluated: 2022-08-16. Review status: criteria provided, single submitter. Criteria: Invitae Variant Classification Sherloc (09022015). Collection method: clinical testing. Allele origin: germline.
Comment: This sequence change replaces leucine, which is neutral and non-polar, with proline, which is neutral and non-polar, at codon 949 of the AHI1 protein (p.Leu949Pro). This variant is present in population databases (rs756470790, gnomAD 0.009%). This variant has not been reported in the literature in individuals affected with AHI1-related conditions. ClinVar contains an entry for this variant (Variation ID: 1521950). Advanced modeling of protein sequence and biophysical properties (such as structural, functional, and spatial information, amino acid conservation, physicochemical variation, residue mobility, and thermodynamic stability) performed at Invitae indicates that this missense variant is not expected to disrupt AHI1 protein function. In summary, the available evidence is currently insufficient to determine the role of this variant in disease. Therefore, it has been classified as a Variant of Uncertain Significance.

NM_001134831.2(AHI1):c.2846T>C (p.Leu949Pro)

Gene: AHI1 (Abelson helper integration site 1; minus strand). Cytogenetic location: 6q23.3.
Variant type: single nucleotide variant.
Coding change: c.2846T>C on transcript NM_001134831.2 (MANE Select); coding-DNA position 2846, T replaced by C.
Protein change: p.Leu949Pro; replaces leucine 949 with proline.
Molecular consequence: missense variant.
Genome position (GRCh38, 1-based): chr6:135,411,463, A>G on the plus strand (T>C on the coding strand, the complement: AHI1 is on the minus strand). VCF-style: chr6-135411463-A-G. GRCh37 (hg19) VCF-style: chr6-135732601-A-G.
Other names: c.2846T>C, p.Leu949Pro (NM_001134830.2, NM_001134832.2, NM_001350503.2 and 2 more transcripts); short protein forms L949P.
Identifiers: ClinVar variation 1521950 (VCV001521950.5), dbSNP rs756470790, ClinGen allele CA4012252.